The following is an entry in ClinVar:

NM_030662.4(MAP2K2):c.1176C>T (p.Pro392=)

Gene: MAP2K2 (mitogen-activated protein kinase kinase 2; minus strand). Cytogenetic location: 19p13.3.
Variant type: single nucleotide variant.
Coding change: c.1176C>T on transcript NM_030662.4 (MANE Select); coding-DNA position 1176, C replaced by T.
Protein change: p.Pro392=; no amino-acid change (proline 392 retained).
Molecular consequence: synonymous variant.
Genome position (GRCh38, 1-based): chr19:4,090,625, G>A on the plus strand (C>T on the coding strand, the complement: MAP2K2 is on the minus strand). VCF-style: chr19-4090625-G-A. GRCh37 (hg19) VCF-style: chr19-4090623-G-A.
Identifiers: ClinVar variation 496472 (VCV000496472.35), dbSNP rs529064753, ClinGen allele CA9090688.
Genomic context (GRCh38, chr19:4,090,625, plus strand): 5'-GTCACCAGCGGGACGCAGGGAGCCCGGCCACTGTCACACGGCGGTGCGCGTGGGTGTGCC[G>A]GGCTGGTTCAGCCGCAGGGTTTTACACAACCAGCCGGCAAAATCCACTTCTTCCACCTCG-3'
Protein context (NP_109587.1, residues 382-400): WLCKTLRLNQ[Pro392=]GTPTRTAV

ClinVar aggregate classification (germline): Conflicting classifications of pathogenicity. Review status: criteria provided, conflicting classifications (1 of 4 stars). 7 submissions from 7 submitters: Uncertain significance (1); Likely benign (6). Last evaluated 2025-12-28.

Conditions:
Noonan syndrome and Noonan-related syndrome. Identifiers: Orphanet 98733, MedGen C5681679, MONDO:0020297.
Cardiovascular phenotype. Identifiers: MedGen CN230736.
RASopathy. Also called: Noonan spectrum disorder; rasopathies. Identifiers: Orphanet 536391, MedGen C5555857, MONDO:0021060.

Allele frequency attached by ClinVar (database versions not stated): gnomAD 0.00003 and 0.00008; gnomAD exomes 0.00005; TOPMed 0.00005; ExAC 0.00010; 1000 Genomes Project 30x 0.00016; 1000 Genomes Project 0.00020.
gnomAD v4.1: 78 of 1,553,446 alleles (0.005%); highest among the groups gnomAD compares: South Asian, 0.04%; no homozygotes.

Submissions (7):

Labcorp Genetics (formerly Invitae), Labcorp
Classification: Likely benign for RASopathy. Last evaluated: 2025-12-28. Review status: criteria provided, single submitter. Criteria: Invitae Variant Classification Sherloc (09022015). Collection method: clinical testing. Allele origin: germline.

CeGaT Center for Human Genetics Tuebingen
Classification: Likely benign. Last evaluated: 2024-05-01. Review status: criteria provided, single submitter. Criteria: CeGaT Center For Human Genetics Tuebingen Variant Classification Criteria Version 2. Collection method: clinical testing. Allele origin: germline. Affected: yes. Observed: 1 variant allele.
Comment: MAP2K2: BP4, BP7

Blueprint Genetics
Classification: Likely benign. Last evaluated: 2024-02-07. Review status: criteria provided, single submitter. Criteria: ACMG Guidelines, 2015. Collection method: clinical testing. Allele origin: germline.

Ambry Genetics
Classification: Likely benign for Cardiovascular phenotype. Last evaluated: 2022-11-19. Review status: criteria provided, single submitter. Criteria: Ambry Variant Classification Scheme 2023. Collection method: clinical testing. Allele origin: germline.

GeneDx
Classification: Likely benign. Last evaluated: 2021-03-08. Review status: criteria provided, single submitter. Criteria: GeneDx Variant Classification Process June 2021. Collection method: clinical testing. Allele origin: germline. Affected: yes.

Women's Health and Genetics/Laboratory Corporation of America, LabCorp
Classification: Likely benign. Last evaluated: 2019-08-28. Review status: criteria provided, single submitter. Criteria: LabCorp Variant Classification Summary - May 2015. Collection method: clinical testing. Allele origin: germline.

Genome Diagnostics Laboratory, The Hospital for Sick Children
Classification: Uncertain significance for Noonan syndrome and Noonan-related syndrome. Last evaluated: 2018-08-01. Review status: criteria provided, single submitter. Criteria: ACMG Guidelines, 2015. Collection method: clinical testing. Allele origin: germline.